The following is an entry in ClinVar:

ClinVar aggregate classification (germline): Pathogenic (0 of 4 stars; one submission).

Conditions:
Achromatopsia 3 (ACHM3). Also called: PINGELAPESE BLINDNESS; TOTAL COLORBLINDNESS WITH MYOPIA; ROD MONOCHROMACY 1; ROD MONOCHROMATISM 1; ACHROMATOPSIA WITH MYOPIA. Identifiers: Orphanet 49382, MedGen C1849792, MONDO:0009875, OMIM 262300.

Submission:

Molecular Genetics Laboratory, Institute for Ophthalmic Research
Classification: Pathogenic for ACHM3. Last evaluated: 2017-03-27. Review status: no assertion criteria provided. Collection method: research. Allele origin: unknown. Affected: yes.
Comment: Deletion of exons 4-18

Literature cited by the submitters: PubMed 28795510.

NM_019098.4(CNGB3):c.(338+1_339-1)_(*1_?)del

Gene: CNGB3 (cyclic nucleotide gated channel subunit beta 3; minus strand).
Variant type: Deletion.
Coding change: c.(338+1_339-1)_(*1_?)del on transcript NM_019098.4; a large deletion whose breakpoints are not mapped to the base.
Identifiers: ClinVar variation 427716 (VCV000427716.1).